The following is an entry in ClinVar:

ClinVar aggregate classification (germline): Uncertain significance (1 of 4 stars; one submission).

Conditions:
Hereditary sensory and autonomic neuropathy type 6. Also called: HSAN VI; Neuropathy, hereditary sensory and autonomic, type VI. Identifiers: Orphanet 314381, MedGen C3539003, MONDO:0013839, OMIM 614653.
Epidermolysis bullosa simplex 3, localized or generalized intermediate, with BP230 deficiency (EBS3). Also called: Epidermolysis bullosa simplex, autosomal recessive 2; Epidermolysis bullosa simplex due to BP230 deficiency. Identifiers: Orphanet 412181, MedGen C3809470, MONDO:0014180, OMIM 615425.

Submission:

Labcorp Genetics (formerly Invitae), Labcorp
Classification: Uncertain significance for Epidermolysis bullosa simplex 3, localized or generalized intermediate, with BP230 deficiency; Hereditary sensory and autonomic neuropathy type 6. Last evaluated: 2022-02-05. Review status: criteria provided, single submitter. Criteria: Invitae Variant Classification Sherloc (09022015). Collection method: clinical testing. Allele origin: germline.
Comment: ClinVar contains an entry for this variant (Variation ID: 862808). This variant has not been reported in the literature in individuals affected with DST-related conditions. This variant is not present in population databases (gnomAD no frequency). This sequence change replaces lysine, which is basic and polar, with arginine, which is basic and polar, at codon 1830 of the DST protein (p.Lys1830Arg). Algorithms developed to predict the effect of missense changes on protein structure and function output the following: SIFT: "Tolerated"; PolyPhen-2: "Benign"; Align-GVGD: "Class C0". The arginine amino acid residue is found in multiple mammalian species, which suggests that this missense change does not adversely affect protein function. In summary, the available evidence is currently insufficient to determine the role of this variant in disease. Therefore, it has been classified as a Variant of Uncertain Significance.

NM_001723.7(DST):c.5489A>G (p.Lys1830Arg)

Gene: DST (dystonin; minus strand). Cytogenetic location: 6p12.1.
Variant type: single nucleotide variant.
Coding change: c.5489A>G on transcript NM_001723.7 (MANE Plus Clinical); coding-DNA position 5489, A replaced by G.
Protein change: p.Lys1830Arg; replaces lysine 1830 with arginine.
Molecular consequence: missense variant. On other transcripts: intron variant (10).
Genome position (GRCh38, 1-based): chr6:56,618,545, T>C on the plus strand (A>G on the coding strand, the complement: DST is on the minus strand). VCF-style: chr6-56618545-T-C. GRCh37 (hg19) VCF-style: chr6-56483343-T-C.
Other names: c.4831-4061A>G (NM_001144769.5); c.4930-4061A>G (NM_001374722.1, NM_001374736.1); c.4957-4061A>G (NM_001374734.1); c.4417-4061A>G (NM_001144770.2); c.4297-4061A>G (NM_001374730.1, NM_001386100.1, NM_183380.4 and 1 more transcripts); c.3319-4061A>G (NM_015548.5); short protein forms K1830R.
Identifiers: ClinVar variation 862808 (VCV000862808.10), dbSNP rs2098652958, ClinGen allele CA364567255.